The following is an entry in ClinVar:

NM_001323289.2(CDKL5):c.106_107del (p.Thr35_His36insTer)

Gene: CDKL5 (cyclin dependent kinase like 5; plus strand). Cytogenetic location: Xp22.13.
Variant type: Microsatellite.
Coding change: c.106_107del on transcript NM_001323289.2 (MANE Select); coding-DNA positions 106 to 107, 2 bases deleted (CA; older notation c.106_107delCA).
Protein change: p.Thr35_His36insTer.
Molecular consequence: nonsense.
Genome position (GRCh38, 1-based): chrX:18,564,483-18,564,484, CA deleted; deleting any 2 consecutive bases within chrX:18,564,480-18,564,484 gives the same sequence; the c. name uses the placement nearest the transcript's 3' end. VCF-style (leftmost placement, unchanged base first): chrX-18564479-AAC-A. GRCh37 (hg19) VCF-style: chrX-18582599-AAC-A.
Other names: c.106_107del, p.Thr35_His36insTer (NM_001037343.2, NM_003159.3).
Identifiers: ClinVar variation 1457110 (VCV001457110.8), dbSNP rs2147132223, ClinGen allele CA2580615391.
Genomic context (GRCh38, chrX:18,564,479, plus strand): 5'-ATCCCCAGTCGGAAAAACACTGGAGAATGACTTTCCTTCTGCTTCTTTTCCCTTGCAGGA[AAC>A]ACATGAAATTGTGGCGATCAAGAAATTCAAGGACAGTGAAGGTAGATATATATATATATA-3'

ClinVar aggregate classification (germline): Pathogenic (1 of 4 stars; one submission).

Conditions:
Angelman syndrome-like. Identifiers: MedGen CN128785.
Developmental and epileptic encephalopathy, 2 (DEE2). Also called: INFANTILE SPASM SYNDROME, X-LINKED 2; CDKL5 deficiency disorder. Identifiers: Orphanet 1934, Orphanet 3451, Orphanet 505652, MedGen C4750718, MONDO:0010396, OMIM 300672.

Submission:

Labcorp Genetics (formerly Invitae), Labcorp
Classification: Pathogenic for Developmental and epileptic encephalopathy, 2; Angelman syndrome-like. Last evaluated: 2021-06-01. Review status: criteria provided, single submitter. Criteria: Invitae Variant Classification Sherloc (09022015). Collection method: clinical testing. Allele origin: germline.
Comment: This sequence change creates a premature translational stop signal (p.His36*) in the CDKL5 gene. It is expected to result in an absent or disrupted protein product. Loss-of-function variants in CDKL5 are known to be pathogenic (PMID: 22872100). This variant is not present in population databases (ExAC no frequency). This variant has not been reported in the literature in individuals with CDKL5-related conditions. For these reasons, this variant has been classified as Pathogenic.

Literature cited by the submitters: PubMed 22872100.